The following is an entry in ClinVar:

ClinVar aggregate classification (germline): Uncertain significance (1 of 4 stars; one submission).

Conditions:
Fabry disease. Also called: Fabry's disease; ALPHA-GALACTOSIDASE A DEFICIENCY; ANDERSON-FABRY DISEASE; CERAMIDE TRIHEXOSIDASE DEFICIENCY; GLA DEFICIENCY; HEREDITARY DYSTOPIC LIPIDOSIS. Identifiers: Orphanet 324, MedGen C0002986, MONDO:0010526, OMIM 301500, HP:0001071. Disease mechanism: Fabry disease is due to inactivating mutations in the X-linked GLA gene resulting in deficiency of the enzyme Alpha Galactosidase-A., loss of function.

Submission:

Color Diagnostics, LLC DBA Color Health
Classification: Uncertain significance for Fabry disease. Last evaluated: 2025-07-28. Review status: criteria provided, single submitter. Criteria: ACMG Guidelines, 2015. Collection method: clinical testing. Allele origin: germline.
Comment: This variant deletes 1 nucleotide in exon 7 of the GLA gene, creating a frameshift and a premature translation stop signal in the last coding exon. This mutant transcript is predicted to escape nonsense-mediated decay and be expressed as a truncated protein. To our knowledge, this variant has not been reported in individuals affected with GLA-related disorders in the literature. This variant has not been identified in the general population by the Genome Aggregation Database (gnomAD). While loss of GLA function is a known mechanism of disease, this truncating variant occurs in the last exon of the GLA gene with unknown functional consequence. There is no other variant downstream of this variant that is reported as pathogenic in ClinVar. The available evidence is insufficient to determine the role of this variant in disease conclusively. Therefore, this variant is classified as a Variant of Uncertain Significance.

NM_000169.3(GLA):c.1258del (p.Thr420fs)

Genes: GLA (galactosidase alpha; minus strand), RPL36A-HNRNPH2 (RPL36A-HNRNPH2 readthrough; plus strand). Cytogenetic location: Xq22.1.
Variant type: Deletion.
Coding change: c.1258del on transcript NM_000169.3 (MANE Select); coding-DNA position 1258, one base deleted (A; older notation c.1258delA).
Protein change: p.Thr420fs; shifts the reading frame from threonine 420.
Molecular consequence: frameshift variant. On other transcripts: non-coding transcript variant (3), intron variant (2).
Genome position (GRCh38, 1-based): chrX:101,397,841, T deleted on the plus strand (A on the coding strand, the reverse complement: GLA is on the minus strand). VCF-style (leftmost placement, unchanged base first): chrX-101397840-GT-G. GRCh37 (hg19) VCF-style: chrX-100652828-GT-G.
Other names: c.1381del, p.Thr461fs (NM_001406747.1); c.300+2384del (NM_001199973.2); c.177+6019del (NM_001199974.2); short protein forms T420fs, T461fs.
Identifiers: ClinVar variation 4758963 (VCV004758963.1).